The following is an entry in ClinVar:

NM_018062.4(FANCL):c.156-2A>T

Gene: FANCL (FA complementation group L; minus strand). Cytogenetic location: 2p16.1.
Variant type: single nucleotide variant.
Coding change: c.156-2A>T on transcript NM_018062.4 (MANE Select); the canonical splice acceptor site of the intron before coding-DNA position 156, A replaced by T.
Molecular consequence: splice acceptor variant.
Genome position (GRCh38, 1-based): chr2:58,229,876, T>A on the plus strand (A>T on the coding strand, the complement: FANCL is on the minus strand). VCF-style: chr2-58229876-T-A. GRCh37 (hg19) VCF-style: chr2-58457011-T-A.
Other names: c.156-2A>T (NM_001374615.1, NM_001114636.2, NM_001410792.1).
Identifiers: ClinVar variation 3586784 (VCV003586784.2).
Genomic context (GRCh38, chr2:58,229,876, plus strand): 5'-GTTGTACTATTCGATGGTATCCACTAAGTATTGTTCTCAGCTGCCAACTACATAATAATC[T>A]AAAATTTTAATGAGACAAAATGGTTTATTCATTGTTCAGAATTAAAAACTTATTTGTATG-3'

ClinVar aggregate classification (germline): Likely pathogenic. Review status: criteria provided, multiple submitters, no conflicts (2 of 4 stars). 2 submissions from 2 submitters: Likely pathogenic (2). Last evaluated 2026-01-04.

Conditions:
Fanconi anemia (FA). Also called: Fanconi's anemia. Identifiers: Orphanet 84, MedGen C0015625, MeSH D005199, MONDO:0019391.
Fanconi anemia complementation group L (FANCL). Also called: FANCL-Related Fanconi Anemia. Identifiers: Orphanet 84, MedGen C3469528, MONDO:0013566, OMIM 614083.

gnomAD v4.1: 3 of 1,603,668 alleles (0.00019%); highest among the groups gnomAD compares: Non-Finnish European, 0.00026%; no homozygotes.

Submissions (2):

Labcorp Genetics (formerly Invitae), Labcorp
Classification: Likely pathogenic for Fanconi anemia. Last evaluated: 2026-01-04. Review status: criteria provided, single submitter. Criteria: Invitae Variant Classification Sherloc (09022015). Collection method: clinical testing. Allele origin: germline.
Comment: This sequence change affects an acceptor splice site in intron 2 of the FANCL gene. It is expected to disrupt RNA splicing. Variants that disrupt the donor or acceptor splice site typically lead to a loss of protein function (PMID: 16199547), and loss-of-function variants in FANCL are known to be pathogenic (PMID: 19405097, 23613520). This variant is not present in population databases (gnomAD no frequency). This variant has not been reported in the literature in individuals affected with FANCL-related conditions. ClinVar contains an entry for this variant (Variation ID: 3586784). Algorithms developed to predict the effect of sequence changes on RNA splicing suggest that this variant may disrupt the consensus splice site. In summary, the currently available evidence indicates that the variant is pathogenic, but additional data are needed to prove that conclusively. Therefore, this variant has been classified as Likely Pathogenic.

Fulgent Genetics
Classification: Likely pathogenic for Fanconi anemia complementation group L. Last evaluated: 2024-01-10. Review status: criteria provided, single submitter. Criteria: ACMG Guidelines, 2015. Collection method: clinical testing. Allele origin: germline.

Literature cited by the submitters: PubMed 16199547 (cited by Labcorp Genetics (formerly Invitae), Labcorp); PubMed 19405097 (cited by Labcorp Genetics (formerly Invitae), Labcorp); PubMed 23613520 (cited by Labcorp Genetics (formerly Invitae), Labcorp).